The following is an entry in ClinVar:

ClinVar aggregate classification (germline): Pathogenic. Review status: criteria provided, multiple submitters, no conflicts (2 of 4 stars). 2 submissions from 2 submitters: Pathogenic (2). Last evaluated 2025-03-11.

Conditions:
BAP1-related tumor predisposition syndrome (TPDS1). Also called: Tumor susceptibility linked to germline BAP1 mutations; COMMON Syndrome; TUMOR PREDISPOSITION SYNDROME 1; BAP1 tumor predisposition syndrome. Identifiers: Orphanet 289539, MedGen C3280492, MONDO:0013692, OMIM 614327.
Hereditary cancer-predisposing syndrome. Also called: Hereditary neoplastic syndrome; Neoplastic Syndromes, Hereditary; Tumor predisposition; Hereditary Cancer Syndrome. Identifiers: Orphanet 140162, MedGen C0027672, MeSH D009386, MONDO:0015356.

Submissions (2):

Labcorp Genetics (formerly Invitae), Labcorp
Classification: Pathogenic for BAP1-related tumor predisposition syndrome. Last evaluated: 2025-03-11. Review status: criteria provided, single submitter. Criteria: Invitae Variant Classification Sherloc (09022015). Collection method: clinical testing. Allele origin: germline.
Comment: This sequence change affects the initiator methionine of the BAP1 mRNA. The next in-frame methionine is located at codon 80. This variant is not present in population databases (gnomAD no frequency). This variant has not been reported in the literature in individuals affected with BAP1-related conditions. This variant disrupts a region of the BAP1 protein in which other variant(s) (p.Gly45Arg) have been determined to be pathogenic (internal data). This suggests that this is a clinically significant region of the protein, and that variants that disrupt it are likely to be disease-causing. For these reasons, this variant has been classified as Pathogenic.

Ambry Genetics
Classification: Pathogenic for Hereditary cancer-predisposing syndrome. Last evaluated: 2024-12-23. Review status: criteria provided, single submitter. Criteria: Ambry Variant Classification Scheme 2023. Collection method: clinical testing. Allele origin: germline.
Comment: The p.M1? pathogenic mutation (also known as c.1A>G) is located in coding exon 1 of the BAP1 gene and results from a A to G substitution at nucleotide position 1. This alters the methionine residue at the initiation codon (ATG). Start-loss alterations have been observed in individuals with BAP1-associated disease (Ambry internal data; Ewens, KG et al. BMC Cancer 2018 Nov;18(1):1172). This alteration was non-functional in a high throughput genome editing haploid cell survival assay (Waters, AJ et al. Nat Genet 2024 Jul;56(7):1434-1445). This amino acid position is highly conserved in available vertebrate species. This variant is considered to be rare based on population cohorts in the Genome Aggregation Database (gnomAD). In addition to the clinical data presented in the literature, sequence variations that modify the initiation codon are expected to result in either loss of translation initiation, N-terminal truncation, or cause a shift in the mRNA reading frame. Based on the supporting evidence, this variant is interpreted as a disease-causing mutation.

Literature cited by the submitters: PubMed 24705312 (cited by Ambry Genetics); PubMed 30477459 (cited by Ambry Genetics).

NM_004656.4(BAP1):c.1A>G (p.Met1Val)

Gene: BAP1 (BRCA1 associated deubiquitinase 1; minus strand). Cytogenetic location: 3p21.1.
Variant type: single nucleotide variant.
Coding change: c.1A>G on transcript NM_004656.4 (MANE Select); coding-DNA position 1, A replaced by G.
Protein change: p.Met1Val; changes the start codon (methionine 1).
Molecular consequence: missense variant, initiator codon variant.
Genome position (GRCh38, 1-based): chr3:52,409,878, T>C on the plus strand (A>G on the coding strand, the complement: BAP1 is on the minus strand). VCF-style: chr3-52409878-T-C. GRCh37 (hg19) VCF-style: chr3-52443894-T-C.
Other names: c.1A>G, p.Met1Val (NM_001410772.1); short protein forms M1V.
Identifiers: ClinVar variation 3818824 (VCV003818824.2).